The following is an entry in ClinVar:

NM_002256.3(KISS1):c.-223G>A

Gene: KISS1 (KiSS-1 metastasis suppressor; minus strand). Cytogenetic location: 1q32.1.
Variant type: single nucleotide variant.
Coding change: c.-223G>A on transcript NM_002256.3; 223 bases upstream of the start codon, G replaced by A.
Genome position (GRCh38, 1-based): chr1:204,196,560, C>T on the plus strand (G>A on the coding strand, the complement: KISS1 is on the minus strand). VCF-style: chr1-204196560-C-T. GRCh37 (hg19) VCF-style: chr1-204165688-C-T.
Identifiers: ClinVar variation 677564 (VCV000677564.3), dbSNP rs72749747, ClinGen allele CA10788076.
Genomic context (GRCh38, chr1:204,196,560, plus strand): 5'-CCTGATCACATCCCTTTTATAAAGCCCGGGGTGACGTCTCCAAGCACAGGCCCACTCTGC[C>T]GCCCCTCCCTCCTCCTCAGACCCTCCTGAAGAGCATGGCACCTTGGGAGGCCTCTGCCTC-3'

ClinVar aggregate classification (germline): Likely benign (1 of 4 stars; one submission).

Allele frequency attached by ClinVar (database versions not stated): 1000 Genomes Project 0.00859; TOPMed 0.01841; gnomAD 0.01885 and 0.01943; 1000 Genomes Project 30x 0.00968; gnomAD exomes 0.02318.

Submission:

GeneDx
Classification: Likely benign. Last evaluated: 2018-06-16. Review status: criteria provided, single submitter. Criteria: GeneDx Variant Classification (06012015). Collection method: clinical testing. Allele origin: germline. Affected: yes.
Comment: This variant is considered likely benign or benign based on one or more of the following criteria: it is a conservative change, it occurs at a poorly conserved position in the protein, it is predicted to be benign by multiple in silico algorithms, and/or has population frequency not consistent with disease.